The following is an entry in ClinVar:

ClinVar aggregate classification (germline): Conflicting classifications of pathogenicity. Review status: criteria provided, conflicting classifications (1 of 4 stars). 3 submissions from 3 submitters: Uncertain significance (1); Likely benign (2). Last evaluated 2025-05-16.

Conditions:
Hereditary cancer-predisposing syndrome. Also called: Hereditary Cancer Syndrome; Neoplastic Syndromes, Hereditary; Hereditary neoplastic syndrome; Tumor predisposition. Identifiers: Orphanet 140162, MedGen C0027672, MeSH D009386, MONDO:0015356.
Hereditary breast ovarian cancer syndrome. Also called: Hereditary breast and ovarian cancer syndrome (HBOC); Hereditary breast and ovarian cancer syndrome; Breast and ovarian cancer; Hereditary breast and/or ovarian cancer syndrome; BRCA1- and BRCA2-Associated Hereditary Breast and Ovarian Cancer; Hereditary breast and ovarian cancer. Identifiers: Orphanet 145, MedGen C0677776, MeSH D061325, MONDO:0003582. Disease mechanism: loss of function.
Breast-ovarian cancer, familial, susceptibility to, 2 (BROVCA2). Also called: BRCA2 Hereditary Breast and Ovarian Cancer. Identifiers: Orphanet 145, MedGen C2675520, MONDO:0012933, OMIM 612555. Disease mechanism: loss of function.

Submissions (3):

Ambry Genetics
Classification: Likely benign for Hereditary cancer-predisposing syndrome. Last evaluated: 2025-05-16. Review status: criteria provided, single submitter. Criteria: Ambry Variant Classification Scheme 2023. Collection method: clinical testing. Allele origin: germline.

Labcorp Genetics (formerly Invitae), Labcorp
Classification: Uncertain significance for Hereditary breast ovarian cancer syndrome. Last evaluated: 2024-04-19. Review status: criteria provided, single submitter. Criteria: Invitae Variant Classification Sherloc (09022015). Collection method: clinical testing. Allele origin: germline.
Comment: This sequence change replaces threonine, which is neutral and polar, with isoleucine, which is neutral and non-polar, at codon 2891 of the BRCA2 protein (p.Thr2891Ile). This variant is present in population databases (no rsID available, gnomAD 0.0009%). This variant has not been reported in the literature in individuals affected with BRCA2-related conditions. ClinVar contains an entry for this variant (Variation ID: 822643). Advanced modeling of protein sequence and biophysical properties (such as structural, functional, and spatial information, amino acid conservation, physicochemical variation, residue mobility, and thermodynamic stability) performed at Invitae indicates that this missense variant is not expected to disrupt BRCA2 protein function with a negative predictive value of 95%. In summary, the available evidence is currently insufficient to determine the role of this variant in disease. Therefore, it has been classified as a Variant of Uncertain Significance.

Myriad Genetics, Inc.
Classification: Likely benign for Breast-ovarian cancer, familial, susceptibility to, 2. Last evaluated: 2023-12-12. Review status: criteria provided, single submitter. Criteria: Myriad Autosomal Dominant, Autosomal Recessive and X-Linked Classification Criteria (2023). Collection method: clinical testing. Allele origin: unknown.
Comment: This variant is considered likely benign. This variant is strongly associated with less severe personal and family histories of cancer, typical for individuals without pathogenic variants in this gene [PMID: 25085752].

Literature cited by the submitters: PubMed 25085752 (cited by Myriad Genetics, Inc.).

NM_000059.4(BRCA2):c.8672C>T (p.Thr2891Ile)

Gene: BRCA2 (BRCA2 DNA repair associated; plus strand). Cytogenetic location: 13q13.1.
Variant type: single nucleotide variant.
Coding change: c.8672C>T on transcript NM_000059.4 (MANE Select); coding-DNA position 8672, C replaced by T.
Protein change: p.Thr2891Ile; replaces threonine 2891 with isoleucine.
Molecular consequence: missense variant.
Genome position (GRCh38, 1-based): chr13:32,376,709, C>T. VCF-style: chr13-32376709-C-T. GRCh37 (hg19) VCF-style: chr13-32950846-C-T.
Other names: short protein forms T2891I.
Identifiers: ClinVar variation 822643 (VCV000822643.10), dbSNP rs1401510742, ClinGen allele CA387754746.